The following is an entry in ClinVar:

ClinVar aggregate classification (germline): Uncertain significance. Review status: criteria provided, multiple submitters, no conflicts (2 of 4 stars). 2 submissions from 2 submitters: Uncertain significance (2). Last evaluated 2023-11-13.

Conditions:
Congenital myasthenic syndrome 2A. Also called: Myasthenic syndrome, congenital, 2a, slow-channel. Identifiers: Orphanet 590, MedGen C4225374, MONDO:0014581, OMIM 616313.

Allele frequency attached by ClinVar (database versions not stated): gnomAD exomes below 0.00001; gnomAD 0.00001; 1000 Genomes Project 30x 0.00016.

Submissions (2):

Labcorp Genetics (formerly Invitae), Labcorp
Classification: Uncertain significance for Congenital myasthenic syndrome 2A. Last evaluated: 2023-11-13. Review status: criteria provided, single submitter. Criteria: Invitae Variant Classification Sherloc (09022015). Collection method: clinical testing. Allele origin: germline.
Comment: This sequence change replaces valine, which is neutral and non-polar, with isoleucine, which is neutral and non-polar, at codon 266 of the CHRNB1 protein (p.Val266Ile). This variant is present in population databases (no rsID available, gnomAD 0.006%). This variant has not been reported in the literature in individuals affected with CHRNB1-related conditions. Advanced modeling of protein sequence and biophysical properties (such as structural, functional, and spatial information, amino acid conservation, physicochemical variation, residue mobility, and thermodynamic stability) performed at Invitae indicates that this missense variant is not expected to disrupt CHRNB1 protein function with a negative predictive value of 80%. In summary, the available evidence is currently insufficient to determine the role of this variant in disease. Therefore, it has been classified as a Variant of Uncertain Significance.

Neuberg Centre For Genomic Medicine, NCGM
Classification: Uncertain significance for Congenital myasthenic syndrome 2A. Last evaluated: 2023-07-22. Review status: criteria provided, single submitter. Criteria: ACMG Guidelines, 2015. Collection method: clinical testing. Allele origin: germline. Inheritance: Autosomal dominant inheritance. Affected: yes.
Comment: The missense variant c.796G>A p.Val266Ile in the CHRNB1 gene has not been reported previously as a pathogenic variant nor as a benign variant, to our knowledge. This variant is reported with the allele frequency 0.0003% in the gnomAD Exomes. The amino acid Valine at position 266 is changed to a Isoleucine changing protein sequence and it might alter its composition and physico-chemical properties. Computational evidence Polyphen, SIFT and MutationTaster predicts conflicting evidence on protein structure and function for this variant. The amino acid change p.Val266Ile in CHRNB1 is predicted as conserved by GERP++ and PhyloP across 100 vertebrates. For these reasons, this variant has been classified as Uncertain Significance

NM_000747.3(CHRNB1):c.796G>A (p.Val266Ile)

Gene: CHRNB1 (cholinergic receptor nicotinic beta 1 subunit; plus strand). Cytogenetic location: 17p13.1.
Variant type: single nucleotide variant.
Coding change: c.796G>A on transcript NM_000747.3 (MANE Select); coding-DNA position 796, G replaced by A.
Protein change: p.Val266Ile; replaces valine 266 with isoleucine.
Molecular consequence: missense variant.
Genome position (GRCh38, 1-based): chr17:7,448,764, G>A. VCF-style: chr17-7448764-G-A. GRCh37 (hg19) VCF-style: chr17-7352083-G-A.
Other names: short protein forms V266I.
Identifiers: ClinVar variation 2750115 (VCV002750115.4), dbSNP rs1222717958, ClinGen allele CA397795062.